The following is an entry in ClinVar:

ClinVar aggregate classification (germline): Uncertain significance (1 of 4 stars; one submission).

Conditions:
Cardiovascular phenotype. Identifiers: MedGen CN230736.

Submission:

Ambry Genetics
Classification: Uncertain significance for Cardiovascular phenotype. Last evaluated: 2026-09-11. Review status: criteria provided, single submitter. Criteria: Ambry Variant Classification Scheme 2023. Collection method: clinical testing. Allele origin: germline.
Comment: The p.H227Q variant (also known as c.681C>G), located in coding exon 5 of the ENG gene, results from a C to G substitution at nucleotide position 681. The histidine at codon 227 is replaced by glutamine, an amino acid with highly similar properties. This amino acid position is conserved. In addition, this alteration is predicted to be tolerated by in silico analysis. Based on the available evidence, the clinical significance of this variant remains unclear.

NM_001114753.3(ENG):c.681C>G (p.His227Gln)

Gene: ENG (endoglin; minus strand). Cytogenetic location: 9q34.11.
Variant type: single nucleotide variant.
Coding change: c.681C>G on transcript NM_001114753.3 (MANE Select); coding-DNA position 681, C replaced by G.
Protein change: p.His227Gln; replaces histidine 227 with glutamine.
Molecular consequence: missense variant.
Genome position (GRCh38, 1-based): chr9:127,825,703, G>C on the plus strand (C>G on the coding strand, the complement: ENG is on the minus strand). VCF-style: chr9-127825703-G-C. GRCh37 (hg19) VCF-style: chr9-130587982-G-C.
Other names: c.681C>G, p.His227Gln (NM_000118.4, NM_001406715.1); c.135C>G, p.His45Gln (NM_001278138.2); short protein forms H227Q, H45Q.
Identifiers: ClinVar variation 4870494 (VCV004870494.2).